The following is an entry in ClinVar:

NM_006506.5(RASA2):c.4GCG[5] (p.Ala5dup)

Genes: RASA2 (RAS p21 protein activator 2; plus strand), LOC129937686 (ATAC-STARR-seq lymphoblastoid silent region 14777; plus strand). Cytogenetic location: 3q23.
Variant type: Microsatellite.
Coding change: c.4GCG[5] on transcript NM_006506.5 (MANE Select); five copies in a row of the 3-base unit GCG starting at c.4; the reference has four copies in a row; one copy, 3 bases duplicated.
Protein change: p.Ala5dup; duplicates alanine 5.
Molecular consequence: inframe insertion, initiator codon variant.
Genome position (GRCh38, 1-based): chr3:141,487,096-141,487,098, GCG duplicated; duplicating any 3 consecutive bases within chr3:141,487,086-141,487,098 gives the same sequence; the position shown is the placement nearest the transcript's 3' end. VCF-style (leftmost placement, unchanged base first): chr3-141487085-T-TGGC. GRCh37 (hg19) VCF-style: chr3-141205927-T-TGGC.
Other names: c.4GCG[5], p.Ala5dup (NM_001303245.3, NM_001303246.3); c.13_15dupGCG (NM_006506.5).
Identifiers: ClinVar variation 1315735 (VCV001315735.9), dbSNP rs747837865, ClinGen allele CA2645068.
Genomic context (GRCh38, chr3:141,487,085, plus strand): 5'-GGGCTCCGCCTCGCCCGGCTACGCAGGCGGCAGGGCTGCGGCACGGGCCGGGCGGCACCA[T>TGGC]GGCGGCGGCGGCGCCTGCTGCTGCGGCGGCTTCTTCCGAGGCGCCAGCGGCGAGTGCGAC-3'

ClinVar aggregate classification (germline): Conflicting classifications of pathogenicity. Review status: criteria provided, conflicting classifications (1 of 4 stars). 3 submissions from 3 submitters: Uncertain significance (2); Likely benign (1). Last evaluated 2026-04-03.

Submissions (3):

Women's Health and Genetics/Laboratory Corporation of America, LabCorp
Classification: Uncertain significance. Last evaluated: 2026-04-03. Review status: criteria provided, single submitter. Criteria: LabCorp Variant Classification Summary - May 2015. Collection method: clinical testing. Allele origin: germline.
Comment: Variant summary: RASA2 c.13_15dupGCG (p.Ala5dup) results in an in-frame duplication that is predicted to duplicate 1 amino acid into the encoded protein in a poly-Ala repeat. The variant allele was found at a frequency of 3.6e-05 in 55636 control chromosomes. The available data on variant occurrences in the general population are insufficient to allow any conclusion about variant significance. To our knowledge, no occurrence of c.13_15dupGCG in individuals affected with RASA2-related conditions and no experimental evidence demonstrating its impact on protein function have been reported. ClinVar contains an entry for this variant (Variation ID: 1315735). Based on the evidence outlined above, the variant was classified as uncertain significance.

Labcorp Genetics (formerly Invitae), Labcorp
Classification: Uncertain significance. Last evaluated: 2025-11-17. Review status: criteria provided, single submitter. Criteria: Invitae Variant Classification Sherloc (09022015). Collection method: clinical testing. Allele origin: germline.
Comment: This variant, c.13_15dup, results in the insertion of 1 amino acid(s) of the RASA2 protein (p.Ala5dup), but otherwise preserves the integrity of the reading frame. This variant is present in population databases (rs747837865, gnomAD 0.03%). This variant has not been reported in the literature in individuals affected with RASA2-related conditions. Experimental studies and prediction algorithms are not available or were not evaluated, and the functional significance of this variant is currently unknown. In summary, the available evidence is currently insufficient to determine the role of this variant in disease. Therefore, it has been classified as a Variant of Uncertain Significance.

GeneDx
Classification: Likely benign. Last evaluated: 2021-02-22. Review status: criteria provided, single submitter. Criteria: GeneDx Variant Classification Process June 2021. Collection method: clinical testing. Allele origin: germline. Affected: yes.
Comment: In-frame insertion in a repetitive region with no known function; Has not been previously published as pathogenic or benign to our knowledge